The following is an entry in ClinVar:

ClinVar aggregate classification (germline): Uncertain significance (1 of 4 stars; one submission).

Conditions:
Encephalopathy, acute, infection-induced (herpes-specific), susceptibility to, 6. Also called: Herpes simplex encephalitis, susceptibility to, 4. Identifiers: Orphanet 1930, MedGen C3553869, MONDO:0013921, OMIM 614850.

Allele frequency attached by ClinVar (database versions not stated): gnomAD exomes 0.00001 and below 0.00001; TOPMed 0.00002.
gnomAD v4.1: 5 of 1,570,758 alleles (0.00032%); highest among the groups gnomAD compares: East Asian, 0.0022%; no homozygotes.

Submission:

Labcorp Genetics (formerly Invitae), Labcorp
Classification: Uncertain significance for Encephalopathy, acute, infection-induced (herpes-specific), susceptibility to, 6. Last evaluated: 2021-08-30. Review status: criteria provided, single submitter. Criteria: Invitae Variant Classification Sherloc (09022015). Collection method: clinical testing. Allele origin: germline.
Comment: This sequence change replaces proline with serine at codon 658 of the TICAM1 protein (p.Pro658Ser). The proline residue is moderately conserved and there is a moderate physicochemical difference between proline and serine. This variant is not present in population databases (ExAC no frequency). This variant has not been reported in the literature in individuals affected with TICAM1-related conditions. Algorithms developed to predict the effect of missense changes on protein structure and function output the following: SIFT: "Tolerated"; PolyPhen-2: "Benign"; Align-GVGD: "Class C0". The serine amino acid residue is found in multiple mammalian species, which suggests that this missense change does not adversely affect protein function. In summary, the available evidence is currently insufficient to determine the role of this variant in disease. Therefore, it has been classified as a Variant of Uncertain Significance.

NM_182919.4(TICAM1):c.1972C>T (p.Pro658Ser)

Gene: TICAM1 (TIR domain containing adaptor molecule 1; minus strand). Cytogenetic location: 19p13.3.
Variant type: single nucleotide variant.
Coding change: c.1972C>T on transcript NM_182919.4 (MANE Select); coding-DNA position 1972, C replaced by T.
Protein change: p.Pro658Ser; replaces proline 658 with serine.
Molecular consequence: missense variant.
Genome position (GRCh38, 1-based): chr19:4,816,406, G>A on the plus strand (C>T on the coding strand, the complement: TICAM1 is on the minus strand). VCF-style: chr19-4816406-G-A. GRCh37 (hg19) VCF-style: chr19-4816418-G-A.
Other names: short protein forms P658S.
Identifiers: ClinVar variation 841080 (VCV000841080.7), dbSNP rs1292695561, ClinGen allele CA403488447.